The following is an entry in ClinVar:

NM_152564.5(VPS13B):c.11993_*2dup (p.Ter3998=)

Gene: VPS13B (vacuolar protein sorting 13 homolog B; plus strand). Cytogenetic location: 8q22.2.
Variant type: Duplication.
Coding change: c.11993_*2dup on transcript NM_152564.5 (MANE Select); coding-DNA position 11993 through 2 bases downstream of the stop codon, 4 bases duplicated (GAGT; older notation c.11993_*2dupGAGT).
Protein change: p.Ter3998=.
Molecular consequence: no sequence alteration.
Genome position (GRCh38, 1-based): chr8:99,875,665-99,875,668, GAGT duplicated; duplicating any 4 consecutive bases within chr8:99,875,664-99,875,668 gives the same sequence; the c. name uses the placement nearest the transcript's 3' end. VCF-style (leftmost placement, unchanged base first): chr8-99875663-T-TTGAG. GRCh37 (hg19) VCF-style: chr8-100887891-T-TTGAG.
Other names: c.12068_*2dup, p.Ter4023= (NM_017890.5); c.11993_*2dupGAGT (NM_152564.4).
Identifiers: ClinVar variation 1390911 (VCV001390911.5), dbSNP rs764705493, ClinGen allele CA4825386.

ClinVar aggregate classification (germline): Conflicting classifications of pathogenicity. Review status: criteria provided, conflicting classifications (1 of 4 stars). 2 submissions from 2 submitters: Uncertain significance (1); Likely benign (1). Last evaluated 2026-08-10.

Conditions:
Cohen syndrome (COH1). Also called: Cutis verticis gyrata, retinitis pigmentosa, and sensorineural deafness; PEPPER SYNDROME. Identifiers: Orphanet 193, MedGen C0265223, MONDO:0008999, OMIM 216550.
VPS13B-related disorder. Also called: VPS13B-related condition.

Submissions (2):

PreventionGenetics, part of Exact Sciences
Classification: Likely benign for VPS13B-related condition. Last evaluated: 2026-08-10. Review status: criteria provided, single submitter. Criteria: ACMG Guidelines, 2015. Collection method: clinical testing. Allele origin: germline.
Comment: This variant is classified as likely benign based on ACMG/AMP sequence variant interpretation guidelines (Richards et al. 2015 PMID: 25741868, with internal and published modifications).

Labcorp Genetics (formerly Invitae), Labcorp
Classification: Uncertain significance for Cohen syndrome. Last evaluated: 2025-10-21. Review status: criteria provided, single submitter. Criteria: Invitae Variant Classification Sherloc (09022015). Collection method: clinical testing. Allele origin: germline.
Comment: This variant occurs in a non-coding region of the VPS13B gene. It does not change the encoded amino acid sequence of the VPS13B protein. This variant is present in population databases (rs764705493, gnomAD 0.007%). This variant has not been reported in the literature in individuals affected with VPS13B-related conditions. ClinVar contains an entry for this variant (Variation ID: 1390911). Experimental studies and prediction algorithms are not available or were not evaluated, and the functional significance of this variant is currently unknown. In summary, the available evidence is currently insufficient to determine the role of this variant in disease. Therefore, it has been classified as a Variant of Uncertain Significance.